The following is an entry in ClinVar:

ClinVar aggregate classification (germline): Pathogenic (1 of 4 stars; one submission).

Conditions:
Marfan syndrome (MFS). Also called: FBN1-Related Marfan Syndrome; MARFAN SYNDROME, TYPE I; Marfan syndrome type 1; Marfan's syndrome; Marfan syndrome, classic. Identifiers: Orphanet 284963, Orphanet 558, MedGen C0024796, MONDO:0007947, OMIM 154700.
Familial thoracic aortic aneurysm and aortic dissection (TAAD). Also called: Thoracic aortic aneurysms and dissections. Identifiers: Orphanet 91387, MedGen C4707243, MONDO:0019625.

Submission:

Labcorp Genetics (formerly Invitae), Labcorp
Classification: Pathogenic for Marfan syndrome; Familial thoracic aortic aneurysm and aortic dissection. Last evaluated: 2019-11-14. Review status: criteria provided, single submitter. Criteria: Invitae Variant Classification Sherloc (09022015). Collection method: clinical testing. Allele origin: germline.
Comment: For these reasons, this variant has been classified as Pathogenic. Loss-of-function variants in FBN1 are known to be pathogenic (PMID: 17657824, 19293843). This variant has not been reported in the literature in individuals with FBN1-related conditions. This variant is not present in population databases (ExAC no frequency). This sequence change creates a premature translational stop signal (p.Gly1796Aspfs*97) in the FBN1 gene. It is expected to result in an absent or disrupted protein product.

Literature cited by the submitters: PubMed 17657824; PubMed 19293843.

NM_000138.5(FBN1):c.5387del (p.Gly1796fs)

Gene: FBN1 (fibrillin 1; minus strand). Cytogenetic location: 15q21.1.
Variant type: Deletion.
Coding change: c.5387del on transcript NM_000138.5 (MANE Select); coding-DNA position 5387, one base deleted (G; older notation c.5387delG).
Protein change: p.Gly1796fs; shifts the reading frame from glycine 1796.
Molecular consequence: frameshift variant.
Genome position (GRCh38, 1-based): chr15:48,456,672, C deleted on the plus strand (G on the coding strand, the reverse complement: FBN1 is on the minus strand); the first of 3 consecutive C bases (chr15:48,456,672-48,456,674); deleting any one gives the same sequence. VCF-style (leftmost placement, unchanged base first): chr15-48456671-TC-T. GRCh37 (hg19) VCF-style: chr15-48748868-TC-T.
Other names: short protein forms G1796fs.
Identifiers: ClinVar variation 960055 (VCV000960055.7), dbSNP rs2043240342, ClinGen allele CA1139663936.